The following is an entry in ClinVar:

NM_007317.3(KIF22):c.980G>A (p.Arg327His)

Gene: KIF22 (kinesin family member 22; plus strand). Cytogenetic location: 16p11.2.
Variant type: single nucleotide variant.
Coding change: c.980G>A on transcript NM_007317.3 (MANE Select); coding-DNA position 980, G replaced by A.
Protein change: p.Arg327His; replaces arginine 327 with histidine.
Molecular consequence: missense variant.
Genome position (GRCh38, 1-based): chr16:29,799,484, G>A. VCF-style: chr16-29799484-G-A. GRCh37 (hg19) VCF-style: chr16-29810805-G-A.
Other names: c.776G>A, p.Arg259His (NM_001256269.2, NM_001256270.1); short protein forms R259H, R327H.
Identifiers: ClinVar variation 1442959 (VCV001442959.8), dbSNP rs745580200, ClinGen allele CA7993122.

ClinVar aggregate classification (germline): Uncertain significance (1 of 4 stars; one submission).

Allele frequency attached by ClinVar (database versions not stated): gnomAD exomes 0.00001; ExAC 0.00002.
gnomAD v4.1: 9 of 1,614,080 alleles (0.00056%); highest among the groups gnomAD compares: East Asian, 0.0022%; no homozygotes.

Submission:

Labcorp Genetics (formerly Invitae), Labcorp
Classification: Uncertain significance. Last evaluated: 2021-03-27. Review status: criteria provided, single submitter. Criteria: Invitae Variant Classification Sherloc (09022015). Collection method: clinical testing. Allele origin: germline.
Comment: In summary, the available evidence is currently insufficient to determine the role of this variant in disease. Therefore, it has been classified as a Variant of Uncertain Significance. Algorithms developed to predict the effect of missense changes on protein structure and function (SIFT, PolyPhen-2, Align-GVGD) all suggest that this variant is likely to be disruptive, but these predictions have not been confirmed by published functional studies and their clinical significance is uncertain. This variant has not been reported in the literature in individuals with KIF22-related conditions. This variant is present in population databases (rs745580200, ExAC 0.01%). This sequence change replaces arginine with histidine at codon 327 of the KIF22 protein (p.Arg327His). The arginine residue is highly conserved and there is a small physicochemical difference between arginine and histidine.